The following is an entry in ClinVar:

ClinVar aggregate classification (germline): Uncertain significance (1 of 4 stars; one submission).

Allele frequency attached by ClinVar (database versions not stated): ExAC 0.00001; gnomAD exomes 0.00001; TOPMed below 0.00001.
gnomAD v4.1: 21 of 1,613,986 alleles (0.0013%); highest among the groups gnomAD compares: Non-Finnish European, 0.0017%; no homozygotes.

Submission:

Labcorp Genetics (formerly Invitae), Labcorp
Classification: Uncertain significance. Last evaluated: 2020-09-18. Review status: criteria provided, single submitter. Criteria: Invitae Variant Classification Sherloc (09022015). Collection method: clinical testing. Allele origin: germline.
Comment: Algorithms developed to predict the effect of missense changes on protein structure and function are either unavailable or do not agree on the potential impact of this missense change (SIFT: "Deleterious"; PolyPhen-2: "Possibly Damaging"; Align-GVGD: "Class C0"). In summary, the available evidence is currently insufficient to determine the role of this variant in disease. Therefore, it has been classified as a Variant of Uncertain Significance. This variant has not been reported in the literature in individuals with TOPORS-related conditions. This variant is present in population databases (rs757491435, ExAC 0.001%). This sequence change replaces arginine with cysteine at codon 126 of the TOPORS protein (p.Arg126Cys). The arginine residue is moderately conserved and there is a large physicochemical difference between arginine and cysteine.

NM_005802.5(TOPORS):c.376C>T (p.Arg126Cys)

Gene: TOPORS (TOP1 binding arginine/serine rich protein, E3 ubiquitin ligase; minus strand). Cytogenetic location: 9p21.1.
Variant type: single nucleotide variant.
Coding change: c.376C>T on transcript NM_005802.5 (MANE Select); coding-DNA position 376, C replaced by T.
Protein change: p.Arg126Cys; replaces arginine 126 with cysteine.
Molecular consequence: missense variant.
Genome position (GRCh38, 1-based): chr9:32,544,149, G>A on the plus strand (C>T on the coding strand, the complement: TOPORS is on the minus strand). VCF-style: chr9-32544149-G-A. GRCh37 (hg19) VCF-style: chr9-32544147-G-A.
Other names: c.181C>T, p.Arg61Cys (NM_001195622.2); short protein forms R126C, R61C.
Identifiers: ClinVar variation 1006145 (VCV001006145.8), dbSNP rs757491435, ClinGen allele CA5020656.
Genomic context (GRCh38, chr9:32,544,149, plus strand): 5'-CAAAGGGCTGTTTACATAGTGGGCATTCAGCTTTGTTTTTTGACCACTCCTGTACACAGC[G>A]AAAACAGAACTTATGTAAGCAGCGATCTAAGTAAGACACATTATCAAATCTATCCAAGCA-3'
Protein context (NP_005793.2, residues 116-136): LDRCLHKFCF[Arg126Cys]CVQEWSKNKA